The following is an entry in ClinVar:

ClinVar aggregate classification (germline): Uncertain significance (1 of 4 stars; one submission).

Submission:

Labcorp Genetics (formerly Invitae), Labcorp
Classification: Uncertain significance. Last evaluated: 2022-08-16. Review status: criteria provided, single submitter. Criteria: Invitae Variant Classification Sherloc (09022015). Collection method: clinical testing. Allele origin: germline.
Comment: Algorithms developed to predict the effect of missense changes on protein structure and function are either unavailable or do not agree on the potential impact of this missense change (SIFT: "Tolerated"; PolyPhen-2: "Probably Damaging"; Align-GVGD: "Class C0"). This variant has not been reported in the literature in individuals affected with DIAPH3-related conditions. This variant is not present in population databases (gnomAD no frequency). This sequence change replaces histidine, which is basic and polar, with leucine, which is neutral and non-polar, at codon 523 of the DIAPH3 protein (p.His523Leu). In summary, the available evidence is currently insufficient to determine the role of this variant in disease. Therefore, it has been classified as a Variant of Uncertain Significance.

NM_001042517.2(DIAPH3):c.1568A>T (p.His523Leu)

Gene: DIAPH3 (diaphanous related formin 3; minus strand). Cytogenetic location: 13q21.2.
Variant type: single nucleotide variant.
Coding change: c.1568A>T on transcript NM_001042517.2 (MANE Select); coding-DNA position 1568, A replaced by T.
Protein change: p.His523Leu; replaces histidine 523 with leucine.
Molecular consequence: missense variant.
Genome position (GRCh38, 1-based): chr13:59,974,434, T>A on the plus strand (A>T on the coding strand, the complement: DIAPH3 is on the minus strand). VCF-style: chr13-59974434-T-A. GRCh37 (hg19) VCF-style: chr13-60548568-T-A.
Other names: c.1535A>T, p.His512Leu (NM_001258366.2); c.1430A>T, p.His477Leu (NM_001258367.2); c.1358A>T, p.His453Leu (NM_001258368.2); c.1568A>T, p.His523Leu (NM_001258369.2); c.779A>T, p.His260Leu (NM_001258370.2, NM_030932.4); short protein forms H512L, H260L, H453L, H477L, H523L.
Identifiers: ClinVar variation 1972471 (VCV001972471.5), dbSNP rs2502288709, ClinGen allele CA388332072.